The following is an entry in ClinVar:

NM_001256627.2(BRSK2):c.895G>A (p.Asp299Asn)

Gene: BRSK2 (BR serine/threonine kinase 2; plus strand). Cytogenetic location: 11p15.5.
Variant type: single nucleotide variant.
Coding change: c.895G>A on transcript NM_001256627.2 (MANE Select); coding-DNA position 895, G replaced by A.
Protein change: p.Asp299Asn; replaces aspartic acid 299 with asparagine.
Molecular consequence: missense variant. On other transcripts: non-coding transcript variant (1).
Genome position (GRCh38, 1-based): chr11:1,445,376, G>A. VCF-style: chr11-1445376-G-A. GRCh37 (hg19) VCF-style: chr11-1466606-G-A.
Other names: c.1033G>A, p.Asp345Asn (NM_001256630.1, NM_001440667.1); c.715G>A, p.Asp239Asn (NM_001282218.2, NM_001440669.1, NM_001440671.1 and 5 more transcripts); c.895G>A, p.Asp299Asn (NM_001440665.1, NM_001440666.1, NM_001440668.1 and 3 more transcripts); short protein forms D239N, D299N, D345N.
Identifiers: ClinVar variation 4867948 (VCV004867948.1).

ClinVar aggregate classification (germline): Uncertain significance (1 of 4 stars; one submission).

Conditions:
Inborn genetic diseases. Identifiers: MedGen C0950123, MeSH D030342.

gnomAD v4.1: 1 of 1,611,910 alleles (0.000062%); highest among the groups gnomAD compares: East Asian, 0.0022%; no homozygotes.

Submission:

Ambry Genetics
Classification: Uncertain significance for Inborn genetic diseases. Last evaluated: 2026-05-14. Review status: criteria provided, single submitter. Criteria: Ambry Variant Classification Scheme 2023. Collection method: clinical testing. Allele origin: germline.
Comment: The c.895G>A (p.D299N) alteration is located in exon 10 (coding exon 10) of the BRSK2 gene. This alteration results from a G to A substitution at nucleotide position 895, causing the aspartic acid (D) at amino acid position 299 to be replaced by an asparagine (N). Based on data from gnomAD, the A allele has an overall frequency of <0.001% (1/245054) total alleles studied. The highest observed frequency was 0.006% (1/17850) of East Asian alleles. Based on insufficient or conflicting evidence, the clinical significance of this alteration remains unclear.